The following is an entry in ClinVar:

NM_001257293.2(HNRNPH1):c.788-3T>C

Genes: HNRNPH1 (heterogeneous nuclear ribonucleoprotein H1; minus strand), LOC128966623 (uncharacterized LOC128966623; plus strand). Cytogenetic location: 5q35.3.
Variant type: single nucleotide variant.
Coding change: c.788-3T>C on transcript NM_001257293.2 (MANE Select); 3 bases into the intron before coding-DNA position 788, T replaced by C.
Molecular consequence: intron variant.
Genome position (GRCh38, 1-based): chr5:179,617,935, A>G on the plus strand (T>C on the coding strand, the complement: HNRNPH1 is on the minus strand). VCF-style: chr5-179617935-A-G. GRCh37 (hg19) VCF-style: chr5-179044936-A-G.
Other names: c.788-3T>C (NM_001364233.2, NM_001364225.2, NM_001364235.2 and 27 more transcripts); c.398-24T>C (NM_001395193.1); c.185-3T>C (NM_001364253.2, NM_001395194.1, NM_001395195.1 and 4 more transcripts); c.788-24T>C (NM_001364241.2, NM_001395188.1, NM_001395180.1 and 6 more transcripts); c.557-3T>C (NM_001395190.1); c.470-3T>C (NM_001395191.1, NM_001395192.1); c.632-3T>C (NM_001364250.2).
Identifiers: ClinVar variation 5040189 (VCV005040189.1).

ClinVar aggregate classification (germline): Likely benign (1 of 4 stars; one submission).

gnomAD v4.1: 37 of 1,614,052 alleles (0.0023%); highest among the groups gnomAD compares: Admixed American, 0.06%; no homozygotes.

Submission:

CeGaT Center for Human Genetics Tuebingen
Classification: Likely benign. Last evaluated: 2026-07-01. Review status: criteria provided, single submitter. Criteria: CeGaT Center For Human Genetics Tuebingen Variant Classification Criteria Version 2. Collection method: clinical testing. Allele origin: germline. Affected: yes. Observed: 1 variant allele.
Comment: HNRNPH1: BP4